The following is an entry in ClinVar:

NM_032634.4(PIGO):c.1498C>G (p.Leu500Val)

Gene: PIGO (phosphatidylinositol glycan anchor biosynthesis class O; minus strand). Cytogenetic location: 9p13.3.
Variant type: single nucleotide variant.
Coding change: c.1498C>G on transcript NM_032634.4 (MANE Select); coding-DNA position 1498, C replaced by G.
Protein change: p.Leu500Val; replaces leucine 500 with valine.
Molecular consequence: missense variant. On other transcripts: intron variant (2).
Genome position (GRCh38, 1-based): chr9:35,092,389, G>C on the plus strand (C>G on the coding strand, the complement: PIGO is on the minus strand). VCF-style: chr9-35092389-G-C. GRCh37 (hg19) VCF-style: chr9-35092386-G-C.
Other names: c.1344+154C>G (NM_152850.4, NM_001201484.2); short protein forms L500V.
Identifiers: ClinVar variation 1303562 (VCV001303562.2), dbSNP rs773611697, ClinGen allele CA5040618.

ClinVar aggregate classification (germline): Uncertain significance (1 of 4 stars; one submission).

Allele frequency attached by ClinVar (database versions not stated): gnomAD 0.00002; gnomAD exomes 0.00002 and 0.00004; TOPMed 0.00002; ExAC 0.00004.

Submission:

GeneDx
Classification: Uncertain significance. Last evaluated: 2019-09-20. Review status: criteria provided, single submitter. Criteria: GeneDx Variant Classification Process June 2021. Collection method: clinical testing. Allele origin: germline. Affected: yes.
Comment: In silico analysis, which includes protein predictors and evolutionary conservation, supports that this variant does not alter protein structure/function